The following is an entry in ClinVar:

NM_000540.3(RYR1):c.5657A>C (p.Glu1886Ala)

Gene: RYR1 (ryanodine receptor 1; plus strand). Cytogenetic location: 19q13.2.
Variant type: single nucleotide variant.
Coding change: c.5657A>C on transcript NM_000540.3 (MANE Select); coding-DNA position 5657, A replaced by C.
Protein change: p.Glu1886Ala; replaces glutamic acid 1886 with alanine.
Molecular consequence: missense variant.
Genome position (GRCh38, 1-based): chr19:38,489,286, A>C. VCF-style: chr19-38489286-A-C. GRCh37 (hg19) VCF-style: chr19-38979926-A-C.
Other names: c.5657A>C, p.Glu1886Ala (NM_001042723.2); short protein forms E1886A.
Identifiers: ClinVar variation 3074293 (VCV003074293.1), dbSNP rs2514246006, ClinGen allele CA405658458.

ClinVar aggregate classification (germline): Uncertain significance (1 of 4 stars; one submission).

Conditions:
Malignant hyperthermia, susceptibility to, 1 (MHS1). Also called: Anesthesia related hyperthermia; Malignant hyperpyrexia; Fulminating hyperpyrexia; Pharmacogenic myopathy; RYR1-Related Malignant Hyperthermia Susceptibility; Malignant hyperthermia suceptibility 1. Identifiers: Orphanet 423, MedGen C2930980, MONDO:0007783, OMIM 145600.

Submission:

All of Us Research Program, National Institutes of Health
Classification: Uncertain significance for Malignant hyperthermia, susceptibility to, 1. Last evaluated: 2023-11-02. Review status: criteria provided, single submitter. Criteria: ACMG Guidelines, 2015. Collection method: clinical testing. Allele origin: germline. Inheritance: Autosomal dominant inheritance. Observed: 1 variant allele, 1 heterozygote.
Comment: This missense variant replaces glutamic acid with alanine at codon 1886 of the RYR1 protein. Computational prediction suggests that this variant may not impact protein structure and function (internally defined REVEL score threshold <= 0.5, PMID: 27666373). To our knowledge, functional studies have not been reported for this variant. This variant has not been reported in individuals affected with RYR1-related disorders in the literature. This variant has not been identified in the general population by the Genome Aggregation Database (gnomAD). The available evidence is insufficient to determine the role of this variant in disease conclusively. Therefore, this variant is classified as a Variant of Uncertain Significance.

This study involves interpretation of variants in research participants for the purpose of population health screening. Participant phenotype was not available at the time of variant classification. Additional details can be found in publication PMID: 35346344, PMCID: PMC8962531